The following is an entry in ClinVar:

ClinVar aggregate classification (germline): Uncertain significance. Review status: criteria provided, multiple submitters, no conflicts (2 of 4 stars). 2 submissions from 2 submitters: Uncertain significance (2). Last evaluated 2025-06-20.

Allele frequency attached by ClinVar (database versions not stated): gnomAD exomes 0.00002 and 0.00004; TOPMed 0.00002; ExAC 0.00003; gnomAD 0.00004.
gnomAD v4.1: 61 of 1,614,016 alleles (0.0038%); highest among the groups gnomAD compares: South Asian, 0.0099%; no homozygotes.

Submissions (2):

Labcorp Genetics (formerly Invitae), Labcorp
Classification: Uncertain significance. Last evaluated: 2025-06-20. Review status: criteria provided, single submitter. Criteria: Invitae Variant Classification Sherloc (09022015). Collection method: clinical testing. Allele origin: germline.
Comment: This sequence change replaces alanine, which is neutral and non-polar, with threonine, which is neutral and polar, at codon 284 of the PNPLA1 protein (p.Ala284Thr). This variant is present in population databases (rs751140258, gnomAD 0.006%). This variant has not been reported in the literature in individuals affected with PNPLA1-related conditions. ClinVar contains an entry for this variant (Variation ID: 1371333). An algorithm developed to predict the effect of missense changes on protein structure and function (PolyPhen-2) suggests that this variant is likely to be disruptive. In summary, the available evidence is currently insufficient to determine the role of this variant in disease. Therefore, it has been classified as a Variant of Uncertain Significance.

CeGaT Center for Human Genetics Tuebingen
Classification: Uncertain significance. Last evaluated: 2024-01-01. Review status: criteria provided, single submitter. Criteria: CeGaT Center For Human Genetics Tuebingen Variant Classification Criteria Version 2. Collection method: clinical testing. Allele origin: germline. Affected: yes. Observed: 1 variant allele.
Comment: PNPLA1: PM2, BP4

NM_001374623.1(PNPLA1):c.850G>A (p.Ala284Thr)

Gene: PNPLA1 (patatin like domain 1, omega-hydroxyceramide transacylase; plus strand). Cytogenetic location: 6p21.31.
Variant type: single nucleotide variant.
Coding change: c.850G>A on transcript NM_001374623.1 (MANE Select); coding-DNA position 850, G replaced by A.
Protein change: p.Ala284Thr; replaces alanine 284 with threonine.
Molecular consequence: missense variant.
Genome position (GRCh38, 1-based): chr6:36,301,935, G>A. VCF-style: chr6-36301935-G-A. GRCh37 (hg19) VCF-style: chr6-36269712-G-A.
Other names: c.592G>A, p.Ala198Thr (NM_001145716.2); c.850G>A, p.Ala284Thr (NM_001145717.1); c.565G>A, p.Ala189Thr (NM_173676.2); short protein forms A189T, A284T, A198T.
Identifiers: ClinVar variation 1371333 (VCV001371333.29), dbSNP rs751140258, ClinGen allele CA3777879.